The following is an entry in ClinVar:

ClinVar aggregate classification (germline): Likely benign (1 of 4 stars; one submission).

gnomAD v4.1: 99 of 1,614,076 alleles (0.0061%); highest among the groups gnomAD compares: Admixed American, 0.012%; no homozygotes.

Submission:

CeGaT Center for Human Genetics Tuebingen
Classification: Likely benign. Last evaluated: 2025-01-01. Review status: criteria provided, single submitter. Criteria: CeGaT Center For Human Genetics Tuebingen Variant Classification Criteria Version 2. Collection method: clinical testing. Allele origin: germline. Affected: yes. Observed: 1 variant allele.
Comment: SERTAD2: BP4, BP7

NM_014755.3(SERTAD2):c.576G>A (p.Ala192=)

Gene: SERTAD2 (SERTA domain containing 2; minus strand). Cytogenetic location: 2p14.
Variant type: single nucleotide variant.
Coding change: c.576G>A on transcript NM_014755.3 (MANE Select); coding-DNA position 576, G replaced by A.
Protein change: p.Ala192=; no amino-acid change (alanine 192 retained).
Molecular consequence: synonymous variant.
Genome position (GRCh38, 1-based): chr2:64,636,296, C>T on the plus strand (G>A on the coding strand, the complement: SERTAD2 is on the minus strand). VCF-style: chr2-64636296-C-T. GRCh37 (hg19) VCF-style: chr2-64863430-C-T.
Identifiers: ClinVar variation 3771221 (VCV003771221.13).